The following is an entry in ClinVar:

NM_198535.3(ZNF699):c.471-3A>G

Gene: ZNF699 (zinc finger protein 699; minus strand). Cytogenetic location: 19p13.2.
Variant type: single nucleotide variant.
Coding change: c.471-3A>G on transcript NM_198535.3 (MANE Select); 3 bases into the intron before coding-DNA position 471, A replaced by G.
Molecular consequence: intron variant.
Genome position (GRCh38, 1-based): chr19:9,296,936, T>C on the plus strand (A>G on the coding strand, the complement: ZNF699 is on the minus strand). VCF-style: chr19-9296936-T-C. GRCh37 (hg19) VCF-style: chr19-9407612-T-C.
Identifiers: ClinVar variation 4813964 (VCV004813964.1).

ClinVar aggregate classification (germline): Uncertain significance (1 of 4 stars; one submission).

Submission:

GeneDx
Classification: Uncertain significance. Last evaluated: 2025-09-17. Review status: criteria provided, single submitter. Criteria: GeneDx Variant Classification Process June 2021. Collection method: clinical testing. Allele origin: germline. Affected: yes.
Comment: Not observed at significant frequency in large population cohorts (gnomAD); Has not been previously published as pathogenic or benign to our knowledge; In silico analysis supports a deleterious effect on splicing